The following is an entry in ClinVar:

NM_198253.3(TERT):c.1793T>C (p.Leu598Pro)

Gene: TERT (telomerase reverse transcriptase; minus strand). Cytogenetic location: 5p15.33.
Variant type: single nucleotide variant.
Coding change: c.1793T>C on transcript NM_198253.3 (MANE Select); coding-DNA position 1793, T replaced by C.
Protein change: p.Leu598Pro; replaces leucine 598 with proline.
Molecular consequence: missense variant. On other transcripts: non-coding transcript variant (2).
Genome position (GRCh38, 1-based): chr5:1,280,315, A>G on the plus strand (T>C on the coding strand, the complement: TERT is on the minus strand). VCF-style: chr5-1280315-A-G. GRCh37 (hg19) VCF-style: chr5-1280430-A-G.
Other names: c.1793T>C, p.Leu598Pro (NM_001193376.3); short protein forms L598P.
Identifiers: ClinVar variation 667337 (VCV000667337.4), dbSNP rs1579577379, ClinGen allele CA359082059.

ClinVar aggregate classification (germline): Uncertain significance (1 of 4 stars; one submission).

Submission:

Laboratory for Molecular Medicine, Mass General Brigham Personalized Medicine
Classification: Uncertain significance. Last evaluated: 2018-02-20. Review status: criteria provided, single submitter. Criteria: LMM Criteria. Collection method: clinical testing. Allele origin: germline. Observed: 1 variant allele.
Comment: The p.Leu598Pro variant in TERT has not been previously reported in individuals with pulmonary fibrosis and was absent from large population studies. Computatio nal prediction tools and conservation analysis suggest that the p.Leu598Pro vari ant may impact the protein, though this information is not predictive enough to determine pathogenicity. In summary, the clinical significance of the p.Leu598Pr o variant is uncertain. ACMG/AMP Criteria applied: PM2; PP3.